The following is an entry in ClinVar:

ClinVar aggregate classification (germline): Uncertain significance (1 of 4 stars; one submission).

Allele frequency attached by ClinVar (database versions not stated): gnomAD exomes 0.00001; TOPMed 0.00001; ExAC 0.00005.
gnomAD v4.1: 19 of 1,614,224 alleles (0.0012%); highest among the groups gnomAD compares: South Asian, 0.021%; no homozygotes.

Submission:

Labcorp Genetics (formerly Invitae), Labcorp
Classification: Uncertain significance. Last evaluated: 2023-12-09. Review status: criteria provided, single submitter. Criteria: Invitae Variant Classification Sherloc (09022015). Collection method: clinical testing. Allele origin: germline.
Comment: This sequence change replaces glutamic acid, which is acidic and polar, with lysine, which is basic and polar, at codon 122 of the UNC45A protein (p.Glu122Lys). This variant is present in population databases (rs763110793, gnomAD 0.04%). This variant has not been reported in the literature in individuals affected with UNC45A-related conditions. Advanced modeling of protein sequence and biophysical properties (such as structural, functional, and spatial information, amino acid conservation, physicochemical variation, residue mobility, and thermodynamic stability) performed at Invitae indicates that this missense variant is expected to disrupt UNC45A protein function with a positive predictive value of 80%. In summary, the available evidence is currently insufficient to determine the role of this variant in disease. Therefore, it has been classified as a Variant of Uncertain Significance.

NM_018671.5(UNC45A):c.364G>A (p.Glu122Lys)

Gene: UNC45A (unc-45 myosin chaperone A; plus strand). Cytogenetic location: 15q26.1.
Variant type: single nucleotide variant.
Coding change: c.364G>A on transcript NM_018671.5 (MANE Select); coding-DNA position 364, G replaced by A.
Protein change: p.Glu122Lys; replaces glutamic acid 122 with lysine.
Molecular consequence: missense variant. On other transcripts: 5 prime UTR variant (1).
Genome position (GRCh38, 1-based): chr15:90,936,398, G>A. VCF-style: chr15-90936398-G-A. GRCh37 (hg19) VCF-style: chr15-91479628-G-A.
Other names: c.319G>A, p.Glu107Lys (NM_001039675.2, NM_001323621.2); c.364G>A, p.Glu122Lys (NM_001323619.1); c.-72G>A (NM_001323620.2); short protein forms E107K, E122K.
Identifiers: ClinVar variation 3020181 (VCV003020181.3), dbSNP rs763110793, ClinGen allele CA7742507.